The following is an entry in ClinVar:

ClinVar aggregate classification (germline): Uncertain significance (1 of 4 stars; one submission).

Conditions:
Distal hereditary motor neuropathy type 2. Identifiers: Orphanet 139525, MedGen C3711384, MeSH C580044, MONDO:0015352.

gnomAD v4.1: 1 of 1,614,046 alleles (0.000062%); highest among the groups gnomAD compares: Non-Finnish European, 0.000085%; no homozygotes.

Submission:

Labcorp Genetics (formerly Invitae), Labcorp
Classification: Uncertain significance for Distal hereditary motor neuropathy type 2. Last evaluated: 2022-02-18. Review status: criteria provided, single submitter. Criteria: Invitae Variant Classification Sherloc (09022015). Collection method: clinical testing. Allele origin: germline.
Comment: This sequence change replaces isoleucine, which is neutral and non-polar, with methionine, which is neutral and non-polar, at codon 327 of the FBXO38 protein (p.Ile327Met). This variant is not present in population databases (gnomAD no frequency). This variant has not been reported in the literature in individuals affected with FBXO38-related conditions. Algorithms developed to predict the effect of missense changes on protein structure and function are either unavailable or do not agree on the potential impact of this missense change (SIFT: "Deleterious"; PolyPhen-2: "Probably Damaging"; Align-GVGD: "Class C0"). In summary, the available evidence is currently insufficient to determine the role of this variant in disease. Therefore, it has been classified as a Variant of Uncertain Significance.

NM_205836.3(FBXO38):c.981C>G (p.Ile327Met)

Gene: FBXO38 (F-box protein 38; plus strand). Cytogenetic location: 5q32.
Variant type: single nucleotide variant.
Coding change: c.981C>G on transcript NM_205836.3 (MANE Select); coding-DNA position 981, C replaced by G.
Protein change: p.Ile327Met; replaces isoleucine 327 with methionine.
Molecular consequence: missense variant.
Genome position (GRCh38, 1-based): chr5:148,410,653, C>G. VCF-style: chr5-148410653-C-G. GRCh37 (hg19) VCF-style: chr5-147790216-C-G.
Other names: c.981C>G, p.Ile327Met (NM_001271723.2, NM_030793.5); short protein forms I327M.
Identifiers: ClinVar variation 2098708 (VCV002098708.4), dbSNP rs753301882, ClinGen allele CA361658000.
Genomic context (GRCh38, chr5:148,410,653, plus strand): 5'-GTTTTTGTTTTACTCTGATATGTTCTCTGTCTTTATTCACAGGTTACATGAAGTTCGGAT[C>G]CAGCCTTCCCTAACCAAAGATGGTGTCTTTTCTGCCCTAAAGATGGCAGAGTTGGAGTTT-3'
Protein context (NP_995308.1, residues 317-337): TAARRLHEVR[Ile327Met]QPSLTKDGVF